The following is an entry in ClinVar:

NM_032806.6(POMGNT2):c.950A>G (p.Lys317Arg)

Gene: POMGNT2 (protein O-linked mannose N-acetylglucosaminyltransferase 2 (beta 1,4-); minus strand). Cytogenetic location: 3p22.1.
Variant type: single nucleotide variant.
Coding change: c.950A>G on transcript NM_032806.6 (MANE Select); coding-DNA position 950, A replaced by G.
Protein change: p.Lys317Arg; replaces lysine 317 with arginine.
Molecular consequence: missense variant.
Genome position (GRCh38, 1-based): chr3:43,080,482, T>C on the plus strand (A>G on the coding strand, the complement: POMGNT2 is on the minus strand). VCF-style: chr3-43080482-T-C. GRCh37 (hg19) VCF-style: chr3-43121974-T-C.
Other names: short protein forms K317R.
Identifiers: ClinVar variation 1441257 (VCV001441257.8), dbSNP rs1207636018, ClinGen allele CA352302160.
Genomic context (GRCh38, chr3:43,080,482, plus strand): 5'-TTGCTGACCAGCCGCACGACATCAGCAAAGGTGTGGTCCTCCAGGGACACTGTCACTGTC[T>C]TCATCTGGAACTCCTGGGCCAGTGCCAGCAGCAGCTCTGCCTCATTCAGAATGAGTCTGT-3'
Protein context (NP_116195.2, residues 307-327): LLALAQEFQM[Lys317Arg]TVTVSLEDHT

ClinVar aggregate classification (germline): Uncertain significance (1 of 4 stars; one submission).

Conditions:
Muscular dystrophy-dystroglycanopathy (congenital with brain and eye anomalies), type a, 8 (MDDGA8). Also called: WALKER-WARBURG SYNDROME OR MUSCLE-EYE-BRAIN DISEASE, GTDC2-RELATED. Identifiers: Orphanet 899, MedGen C3553813, MONDO:0013904, OMIM 614830.

Allele frequency attached by ClinVar (database versions not stated): gnomAD exomes below 0.00001; gnomAD 0.00001.
gnomAD v4.1: 3 of 1,614,062 alleles (0.00019%); highest among the groups gnomAD compares: Non-Finnish European, 0.00025%; no homozygotes.

Submission:

Labcorp Genetics (formerly Invitae), Labcorp
Classification: Uncertain significance for Muscular dystrophy-dystroglycanopathy (congenital with brain and eye anomalies), type a, 8. Last evaluated: 2021-05-19. Review status: criteria provided, single submitter. Criteria: Invitae Variant Classification Sherloc (09022015). Collection method: clinical testing. Allele origin: germline.
Comment: Algorithms developed to predict the effect of missense changes on protein structure and function are either unavailable or do not agree on the potential impact of this missense change (SIFT: "Tolerated"; PolyPhen-2: "Possibly Damaging"; Align-GVGD: "Class C0"). This variant has not been reported in the literature in individuals with POMGNT2-related conditions. This variant is not present in population databases (ExAC no frequency). This sequence change replaces lysine with arginine at codon 317 of the POMGNT2 protein (p.Lys317Arg). The lysine residue is highly conserved and there is a small physicochemical difference between lysine and arginine. In summary, the available evidence is currently insufficient to determine the role of this variant in disease. Therefore, it has been classified as a Variant of Uncertain Significance.